The following is an entry in ClinVar:

ClinVar aggregate classification (germline): Uncertain significance. Review status: criteria provided, multiple submitters, no conflicts (2 of 4 stars). 4 submissions from 4 submitters: Uncertain significance (4). Last evaluated 2025-08-20.

Conditions:
Arrhythmogenic right ventricular cardiomyopathy (ARVD). Also called: Arrhythmogenic cardiomyopathy; Cardiomyopathy, ARVC; Arrhythmogenic right ventricular dysplasia; Arrhythmogenic Right Ventricular Cardiomyopathy (ARVC). Identifiers: Orphanet 247, MedGen C0349788, MeSH D019571, MONDO:0016587. Disease mechanism: loss of function. Inheritance: Various modes of inheritance.
Cardiomyopathy (CMYO). Also called: Cardiomyopathies. Identifiers: Orphanet 167848, MedGen C0878544, MONDO:0004994, HP:0001638. Inheritance: Various modes of inheritance.
Arrhythmogenic right ventricular dysplasia 9 (ARVD9). Also called: Arrhythmogenic Right Ventricular Dysplasia/Cardiomyopathy 9; ARRHYTHMOGENIC RIGHT VENTRICULAR DYSPLASIA, FAMILIAL, 9. Identifiers: MedGen C1836906, MONDO:0012180, OMIM 609040.

Allele frequency attached by ClinVar (database versions not stated): gnomAD exomes below 0.00001; ExAC 0.00001; gnomAD 0.00001.
gnomAD v4.1: 7 of 1,613,582 alleles (0.00043%); highest among the groups gnomAD compares: South Asian, 0.0011%; no homozygotes.

Submissions (4):

Color Diagnostics, LLC DBA Color Health
Classification: Uncertain significance for Cardiomyopathy. Last evaluated: 2025-08-20. Review status: criteria provided, single submitter. Criteria: ACMG Guidelines, 2015. Collection method: clinical testing. Allele origin: germline.
Comment: This missense variant replaces proline with leucine at codon 783 of the PKP2 protein. Computational prediction suggests that this variant may not impact protein structure and function. To our knowledge, functional studies have not been reported for this variant. This variant has not been reported in individuals affected with PKP2-related disorders in the literature. This variant has been identified in 2/282538 chromosomes in the general population by the Genome Aggregation Database (gnomAD). The available evidence is insufficient to determine the role of this variant in disease conclusively. Therefore, this variant is classified as a Variant of Uncertain Significance.

Labcorp Genetics (formerly Invitae), Labcorp
Classification: Uncertain significance for Arrhythmogenic right ventricular dysplasia 9. Last evaluated: 2024-07-23. Review status: criteria provided, single submitter. Criteria: Invitae Variant Classification Sherloc (09022015). Collection method: clinical testing. Allele origin: germline.
Comment: This sequence change replaces proline, which is neutral and non-polar, with leucine, which is neutral and non-polar, at codon 783 of the PKP2 protein (p.Pro783Leu). This variant is present in population databases (rs758834771, gnomAD 0.01%). This variant has not been reported in the literature in individuals affected with PKP2-related conditions. ClinVar contains an entry for this variant (Variation ID: 884121). An algorithm developed to predict the effect of missense changes on protein structure and function (PolyPhen-2) suggests that this variant is likely to be tolerated. In summary, the available evidence is currently insufficient to determine the role of this variant in disease. Therefore, it has been classified as a Variant of Uncertain Significance.

All of Us Research Program, National Institutes of Health
Classification: Uncertain significance for Arrhythmogenic right ventricular cardiomyopathy. Last evaluated: 2023-05-16. Review status: criteria provided, single submitter. Criteria: ACMG Guidelines, 2015. Collection method: clinical testing. Allele origin: germline. Inheritance: Autosomal dominant inheritance. Observed: 1 variant allele, 1 heterozygote.
Comment: This missense variant replaces proline with leucine at codon 783 of the PKP2 protein. Computational prediction suggests that this variant may not impact protein structure and function (internally defined REVEL score threshold <= 0.5, PMID: 27666373). To our knowledge, functional studies have not been reported for this variant. This variant has not been reported in individuals affected with PKP2-related disorders in the literature. This variant has been identified in 2/282538 chromosomes in the general population by the Genome Aggregation Database (gnomAD). The available evidence is insufficient to determine the role of this variant in disease conclusively. Therefore, this variant is classified as a Variant of Uncertain Significance.

This study involves interpretation of variants in research participants for the purpose of population health screening. Participant phenotype was not available at the time of variant classification. Additional details can be found in publication PMID: 35346344, PMCID: PMC8962531

Illumina Laboratory Services, Illumina
Classification: Uncertain significance for Arrhythmogenic right ventricular dysplasia 9. Last evaluated: 2018-01-13. Review status: criteria provided, single submitter. Criteria: ICSL Variant Classification Criteria 13 December 2019. Collection method: clinical testing. Allele origin: germline.

NM_001005242.3(PKP2):c.2216C>T (p.Pro739Leu)

Gene: PKP2 (plakophilin 2; minus strand). Cytogenetic location: 12p11.21.
Variant type: single nucleotide variant.
Coding change: c.2216C>T on transcript NM_001005242.3 (MANE Select); coding-DNA position 2216, C replaced by T.
Protein change: p.Pro739Leu; replaces proline 739 with leucine.
Molecular consequence: missense variant.
Genome position (GRCh38, 1-based): chr12:32,796,250, G>A on the plus strand (C>T on the coding strand, the complement: PKP2 is on the minus strand). VCF-style: chr12-32796250-G-A. GRCh37 (hg19) VCF-style: chr12-32949184-G-A.
Other names: c.2348C>T, p.Pro783Leu (NM_004572.4); short protein forms P739L, P783L.
Identifiers: ClinVar variation 884121 (VCV000884121.15), dbSNP rs758834771, ClinGen allele CA034832.